The following is an entry in ClinVar:

ClinVar aggregate classification (germline): Uncertain significance. Review status: criteria provided, multiple submitters, no conflicts (2 of 4 stars). 3 submissions from 3 submitters: Uncertain significance (2). 1 of the submissions does not count toward it. Last evaluated 2022-03-09.

Conditions:
Usher syndrome type 1F (USH1F). Also called: USHER SYNDROME, TYPE IF. Identifiers: Orphanet 231169, Orphanet 886, MedGen C1865885, MONDO:0011186, OMIM 602083.

Allele frequency attached by ClinVar (database versions not stated): gnomAD exomes below 0.00001 and 0.00001; TOPMed below 0.00001; gnomAD 0.00001.
gnomAD v4.1: 4 of 1,614,004 alleles (0.00025%); highest among the groups gnomAD compares: Non-Finnish European, 0.00034%; no homozygotes.

Submissions (3):

Labcorp Genetics (formerly Invitae), Labcorp
Classification: Uncertain significance. Last evaluated: 2022-03-09. Review status: criteria provided, single submitter. Criteria: Invitae Variant Classification Sherloc (09022015). Collection method: clinical testing. Allele origin: germline.
Comment: This sequence change replaces valine, which is neutral and non-polar, with leucine, which is neutral and non-polar, at codon 410 of the PCDH15 protein (p.Val410Leu). This variant is present in population databases (no rsID available, gnomAD 0.0009%). This variant has not been reported in the literature in individuals affected with PCDH15-related conditions. ClinVar contains an entry for this variant (Variation ID: 1016215). Algorithms developed to predict the effect of missense changes on protein structure and function (SIFT, PolyPhen-2, Align-GVGD) all suggest that this variant is likely to be tolerated. In summary, the available evidence is currently insufficient to determine the role of this variant in disease. Therefore, it has been classified as a Variant of Uncertain Significance.

Blueprint Genetics
Classification: Uncertain significance. Last evaluated: 2021-08-02. Review status: criteria provided, single submitter. Criteria: ACMG Guidelines, 2015. Collection method: clinical testing. Allele origin: germline.

Natera, Inc.
Classification: Uncertain significance for Usher syndrome type 1F. Last evaluated: 2021-08-19. Review status: no assertion criteria provided. Collection method: clinical testing. Allele origin: germline. Not counted in ClinVar's aggregate classification.

NM_001384140.1(PCDH15):c.1228G>T (p.Val410Leu)

Gene: PCDH15 (protocadherin related 15; minus strand). Cytogenetic location: 10q21.1.
Variant type: single nucleotide variant.
Coding change: c.1228G>T on transcript NM_001384140.1 (MANE Select); coding-DNA position 1228, G replaced by T.
Protein change: p.Val410Leu; replaces valine 410 with leucine.
Molecular consequence: missense variant.
Genome position (GRCh38, 1-based): chr10:54,195,760, C>A on the plus strand (G>T on the coding strand, the complement: PCDH15 is on the minus strand). VCF-style: chr10-54195760-C-A. GRCh37 (hg19) VCF-style: chr10-55955520-C-A.
Other names: c.1243G>T, p.Val415Leu (NM_001142763.2, NM_001142769.4, NM_001142771.2); c.1228G>T, p.Val410Leu (NM_001142764.2, NM_001142765.2, NM_001142766.2 and 7 more transcripts); c.1117G>T, p.Val373Leu (NM_001142767.2); c.1162G>T, p.Val388Leu (NM_001142768.2, NM_001142773.2, NM_001354404.2); short protein forms V373L, V388L, V410L, V415L.
Identifiers: ClinVar variation 1016215 (VCV001016215.6), dbSNP rs1410944616, ClinGen allele CA376518898.
Genomic context (GRCh38, chr10:54,195,760, plus strand): 5'-CCAGAGCTACTATTCTTAAAGGTGAAGTCAAATTGAGACTGTCCGAAATGGTTGCTCCCA[C>A]TGGGGCAGATTCCAGGATATAGCCTTGATAACTGGGCATTGTAAAATATGGACTTTGATT-3'
Protein context (NP_001371069.1, residues 400-420): YQGYILESAP[Val410Leu]GATISDSLNL